The following is an entry in ClinVar:

ClinVar aggregate classification (germline): Benign/Likely benign. Review status: criteria provided, multiple submitters, no conflicts (2 of 4 stars). 4 submissions from 4 submitters: Benign (1); Likely benign (3). Last evaluated 2026-01-15.

Conditions:
CEP63-related disorder. Also called: CEP63-related condition.

Allele frequency attached by ClinVar (database versions not stated): TOPMed 0.00027; ESP Exome Variant Server 0.00031; gnomAD 0.00034 and 0.00048; gnomAD exomes 0.00094 and 0.00134; 1000 Genomes Project 30x 0.00125; ExAC 0.00150; 1000 Genomes Project 0.00160.
gnomAD v4.1: 1,445 of 1,613,784 alleles (0.09%); highest among the groups gnomAD compares: South Asian, 0.86%; 11 homozygotes.

Submissions (4):

Labcorp Genetics (formerly Invitae), Labcorp
Classification: Benign. Last evaluated: 2026-01-15. Review status: criteria provided, single submitter. Criteria: Invitae Variant Classification Sherloc (09022015). Collection method: clinical testing. Allele origin: germline.

PreventionGenetics, part of Exact Sciences
Classification: Likely benign for CEP63-related condition. Last evaluated: 2024-12-21. Review status: criteria provided, single submitter. Criteria: ACMG Guidelines, 2015. Collection method: clinical testing. Allele origin: germline.
Comment: This variant is classified as likely benign based on ACMG/AMP sequence variant interpretation guidelines (Richards et al. 2015 PMID: 25741868, with internal and published modifications).

Genetic Services Laboratory, University of Chicago
Classification: Likely benign. Last evaluated: 2018-04-27. Review status: criteria provided, single submitter. Criteria: ACMG Guidelines, 2015. Collection method: clinical testing. Allele origin: germline. Affected: no.

Breakthrough Genomics
Classification: Likely benign. Review status: criteria provided, single submitter. Criteria: ACMG Guidelines, 2015. Collection method: not provided. Allele origin: germline. Inheritance: Autosomal recessive inheritance. Affected: yes.

NM_001353108.3(CEP63):c.1596G>A (p.Gln532=)

Gene: CEP63 (centrosomal protein 63; plus strand). Cytogenetic location: 3q22.2.
Variant type: single nucleotide variant.
Coding change: c.1596G>A on transcript NM_001353108.3 (MANE Select); coding-DNA position 1596, G replaced by A.
Protein change: p.Gln532=; no amino-acid change (glutamine 532 retained).
Molecular consequence: synonymous variant. On other transcripts: intron variant (17).
Genome position (GRCh38, 1-based): chr3:134,558,270, G>A. VCF-style: chr3-134558270-G-A. GRCh37 (hg19) VCF-style: chr3-134277112-G-A.
Other names: c.1458G>A, p.Gln486= (NM_001353109.1); c.1596G>A, p.Gln532= (NM_025180.5); c.1467+6258G>A (NM_001353113.1, NM_001353117.2); c.1329+6258G>A (NM_001042384.2, NM_001353124.2, NM_001353123.2); c.1330-3107G>A (NM_001353122.1, NM_001042383.2, NM_001353121.2 and 2 more transcripts); c.1468-3107G>A (NM_001353110.1, NM_001353112.2, NM_001353111.2 and 1 more transcripts); c.1357-3107G>A (NM_001353118.1); c.967-3107G>A (NM_001353126.2); and 1 more.
Identifiers: ClinVar variation 750774 (VCV000750774.15), dbSNP rs149211765, ClinGen allele CA2628722.